The following is an entry in ClinVar:

ClinVar aggregate classification (germline): Uncertain significance (1 of 4 stars; one submission).

Submission:

Ambry Genetics
Classification: Uncertain significance. Last evaluated: 2025-02-26. Review status: criteria provided, single submitter. Criteria: Ambry Variant Classification Scheme 2023. Collection method: clinical testing. Allele origin: germline.
Comment: The p.Q2156L variant (also known as c.6467A>T), located in coding exon 27 of the WNK2 gene, results from an A to T substitution at nucleotide position 6467. The glutamine at codon 2156 is replaced by leucine, an amino acid with dissimilar properties. This amino acid position is conserved. In addition, this alteration is predicted to be tolerated by in silico analysis. Based on the available evidence, the clinical significance of this variant remains unclear.

NM_006648.4(WNK2):c.6467A>T (p.Gln2156Leu)

Gene: WNK2 (WNK lysine deficient protein kinase 2; plus strand). Cytogenetic location: 9q22.31.
Variant type: single nucleotide variant.
Coding change: c.6467A>T on transcript NM_006648.4 (MANE Select); coding-DNA position 6467, A replaced by T.
Protein change: p.Gln2156Leu; replaces glutamine 2156 with leucine.
Molecular consequence: missense variant.
Genome position (GRCh38, 1-based): chr9:93,308,535, A>T. VCF-style: chr9-93308535-A-T. GRCh37 (hg19) VCF-style: chr9-96070817-A-T.
Other names: c.6578A>T, p.Gln2193Leu (NM_001282394.3); short protein forms Q2193L, Q2156L.
Identifiers: ClinVar variation 3817169 (VCV003817169.1).